The following is an entry in ClinVar:

ClinVar aggregate classification (germline): Benign. Review status: criteria provided, multiple submitters, no conflicts (2 of 4 stars). 6 submissions from 6 submitters: Benign (5). 1 of the submissions does not count toward it. Last evaluated 2026-01-31.

Conditions:
Mucopolysaccharidosis, MPS-IV-A (MPS4A). Also called: Morquio syndrome A, mild; MORQUIO A DISEASE; Mucopolysaccharidosis type IV A; MORQUIO SYNDROME A; Mucopolysaccharidosis Type IVA; MPS IVA. Identifiers: Orphanet 309297, Orphanet 582, MedGen C0086651, MONDO:0009659, OMIM 253000.

Allele frequency attached by ClinVar (database versions not stated): ESP Exome Variant Server 0.00893; gnomAD 0.00952 and 0.01020; TOPMed 0.01011; 1000 Genomes Project 0.01078; gnomAD exomes 0.00093 and 0.00244; 1000 Genomes Project 30x 0.01140.
gnomAD v4.1: 2,858 of 1,607,368 alleles (0.18%); highest among the groups gnomAD compares: African/African-American, 3.4%; 56 homozygotes.

Submissions (6):

Labcorp Genetics (formerly Invitae), Labcorp
Classification: Benign for Mucopolysaccharidosis, MPS-IV-A. Last evaluated: 2026-01-31. Review status: criteria provided, single submitter. Criteria: Invitae Variant Classification Sherloc (09022015). Collection method: clinical testing. Allele origin: germline.

Genome-Nilou Lab
Classification: Benign for Mucopolysaccharidosis, MPS-IV-A. Last evaluated: 2021-11-07. Review status: criteria provided, single submitter. Criteria: ACMG Guidelines, 2015. Collection method: clinical testing. Allele origin: germline. Affected: no.

Women's Health and Genetics/Laboratory Corporation of America, LabCorp
Classification: Benign. Last evaluated: 2017-10-30. Review status: criteria provided, single submitter. Criteria: LabCorp Variant Classification Summary - May 2015. Collection method: clinical testing. Allele origin: germline.
Comment: Variant summary: The GALNS c.1002+17C>T variant involves the alteration of a non-conserved intronic nucleotide and 5/5 splice prediction tools predict no significant impact on normal splicing. However, these predictions have yet to be confirmed by functional studies. This variant was found in 862/272430 (23 homozygotes) control chromosomes (gnomAD), predominantly observed in the African subpopulation at a frequency of 0.033904 (800/23596, 22 homozygotes). This frequency is about 17 times the estimated maximal expected allele frequency of a pathogenic GALNS variant (0.0020412), suggesting this is likely a benign polymorphism found primarily in the populations of African origin. In addition, a clinical diagnostic laboratory classified this variant as benign. Taken together, this variant is classified as benign.

Eurofins Ntd Llc (ga)
Classification: Benign. Last evaluated: 2013-11-14. Review status: criteria provided, single submitter. Criteria: EGL Classification Definitions 2015. Collection method: clinical testing. Allele origin: germline. Observed: 2 variant alleles, 2 heterozygotes.

Breakthrough Genomics
Classification: Benign. Review status: criteria provided, single submitter. Criteria: ACMG Guidelines, 2015. Collection method: not provided. Allele origin: germline. Inheritance: Autosomal recessive inheritance. Affected: yes.

Mayo Clinic Laboratories, Mayo Clinic
Classification: Likely benign. Last evaluated: 2017-05-01. Review status: no assertion criteria provided. Collection method: clinical testing. Allele origin: unknown. Not counted in ClinVar's aggregate classification.

NM_000512.5(GALNS):c.1002+17C>T

Gene: GALNS (galactosamine (N-acetyl)-6-sulfatase; minus strand). Cytogenetic location: 16q24.3.
Variant type: single nucleotide variant.
Coding change: c.1002+17C>T on transcript NM_000512.5 (MANE Select); 17 bases into the intron after coding-DNA position 1002, C replaced by T.
Molecular consequence: intron variant.
Genome position (GRCh38, 1-based): chr16:88,831,981, G>A on the plus strand (C>T on the coding strand, the complement: GALNS is on the minus strand). VCF-style: chr16-88831981-G-A. GRCh37 (hg19) VCF-style: chr16-88898389-G-A.
Other names: c.447+17C>T (NM_001323543.2); c.1020+17C>T (NM_001323544.2).
Identifiers: ClinVar variation 93161 (VCV000093161.19), dbSNP rs78494153, ClinGen allele CA146710.
Genomic context (GRCh38, chr16:88,831,981, plus strand): 5'-CAGTGAGGGGCGCACACACCCTGGGATGGCTGCAGGCCTGGACCTGCTGCCCGGCAGACC[G>A]GTGGACGCTGACTCACCTGGCCTGCAGTGACGTGCCCTGGCCACCATGCGAGGGCAGGCT-3'